The following is an entry in ClinVar:

ClinVar aggregate classification (germline): Likely benign (1 of 4 stars; one submission).

Allele frequency attached by ClinVar (database versions not stated): 1000 Genomes Project 30x 0.00515; 1000 Genomes Project 0.00559; TOPMed 0.01422; gnomAD 0.01790 and 0.01877; gnomAD exomes 0.01961.
gnomAD v4.1: 13,123 of 686,168 alleles (1.9%); highest among the groups gnomAD compares: Non-Finnish European, 2.5%; 199 homozygotes.

Submission:

GeneDx
Classification: Likely benign. Last evaluated: 2018-06-16. Review status: criteria provided, single submitter. Criteria: GeneDx Variant Classification (06012015). Collection method: clinical testing. Allele origin: germline. Affected: yes.
Comment: This variant is considered likely benign or benign based on one or more of the following criteria: it is a conservative change, it occurs at a poorly conserved position in the protein, it is predicted to be benign by multiple in silico algorithms, and/or has population frequency not consistent with disease.

NM_014476.6(PDLIM3):c.794-147G>A

Gene: PDLIM3 (PDZ and LIM domain 3; minus strand). Cytogenetic location: 4q35.1.
Variant type: single nucleotide variant.
Coding change: c.794-147G>A on transcript NM_014476.6 (MANE Select); 147 bases into the intron before coding-DNA position 794, G replaced by A.
Molecular consequence: intron variant.
Genome position (GRCh38, 1-based): chr4:185,504,733, C>T on the plus strand (G>A on the coding strand, the complement: PDLIM3 is on the minus strand). VCF-style: chr4-185504733-C-T. GRCh37 (hg19) VCF-style: chr4-186425887-C-T.
Other names: c.293-147G>A (NM_001257963.2); c.530-147G>A (NM_001257962.2); c.650-147G>A (NM_001114107.5).
Identifiers: ClinVar variation 675239 (VCV000675239.1), dbSNP rs62345659, ClinGen allele CA112042799.
Genomic context (GRCh38, chr4:185,504,733, plus strand): 5'-CCTGAAGTTGCATCTGCACCGTCATTCCGAGAGGGGCAGGACTGATGCAATCATAAGGGA[C>T]GCTGTTCTGAAATAGGGCATTATAGAATGGAATTAGTGAAAACATTTATTTTGTTGTGGT-3'